The following is an entry in ClinVar:

ClinVar aggregate classification (germline): Uncertain significance (1 of 4 stars; one submission).

Conditions:
Paroxysmal nonkinesigenic dyskinesia 1 (PNKD1). Also called: PxMD-PNKD; MOUNT-REBACK SYNDROME; PAROXYSMAL DYSTONIC CHOREOATHETOSIS; Familial Paroxysmal Nonkinesigenic Dyskinesia; Nonkinesigenic choreoathetosis; Familial paroxysmal choreoathetosis. Identifiers: Orphanet 98810, MedGen C4551506, MONDO:0700089, OMIM 118800, MONDO:0007326.

Allele frequency attached by ClinVar (database versions not stated): ExAC 0.00001.
gnomAD v4.1: 2 of 1,613,840 alleles (0.00012%); highest among the groups gnomAD compares: East Asian, 0.0022%; no homozygotes.

Submission:

Centre for Mendelian Genomics, University Medical Centre Ljubljana
Classification: Uncertain significance for Paroxysmal nonkinesigenic dyskinesia 1. Last evaluated: 2019-12-05. Review status: criteria provided, single submitter. Criteria: ACMG Guidelines, 2015. Collection method: clinical testing. Allele origin: unknown. Affected: yes.
Comment: This variant was classified as: Uncertain significance. The available evidence on this variant's pathogenicity is insufficient or conflicting. The following ACMG criteria were applied in classifying this variant: PP3.

NM_015488.5(PNKD):c.733G>T (p.Gly245Cys)

Genes: CATIP-AS2 (CATIP antisense RNA 2; minus strand), PNKD (PNKD metallo-beta-lactamase domain containing; plus strand). Cytogenetic location: 2q35.
Variant type: single nucleotide variant.
Coding change: c.733G>T on transcript NM_015488.5 (MANE Select); coding-DNA position 733, G replaced by T.
Protein change: p.Gly245Cys; replaces glycine 245 with cysteine.
Molecular consequence: missense variant.
Genome position (GRCh38, 1-based): chr2:218,342,096, G>T. VCF-style: chr2-218342096-G-T. GRCh37 (hg19) VCF-style: chr2-219206819-G-T.
Other names: c.661G>T, p.Gly221Cys (NM_022572.5); short protein forms G221C, G245C.
Identifiers: ClinVar variation 931799 (VCV000931799.3), dbSNP rs769143232, ClinGen allele CA2104068.